The following is an entry in ClinVar:

ClinVar aggregate classification (germline): Uncertain significance (1 of 4 stars; one submission).

Submission:

GeneDx
Classification: Uncertain significance. Last evaluated: 2022-05-03. Review status: criteria provided, single submitter. Criteria: GeneDx Variant Classification Process June 2021. Collection method: clinical testing. Allele origin: germline. Affected: yes.
Comment: Not observed at significant frequency in large population cohorts (gnomAD); In silico analysis supports that this missense variant has a deleterious effect on protein structure/function; Has not been previously published as pathogenic or benign to our knowledge

NM_001385012.1(NBEA):c.7495G>A (p.Asp2499Asn)

Gene: NBEA (neurobeachin; plus strand). Cytogenetic location: 13q13.3.
Variant type: single nucleotide variant.
Coding change: c.7495G>A on transcript NM_001385012.1 (MANE Select); coding-DNA position 7495, G replaced by A.
Protein change: p.Asp2499Asn; replaces aspartic acid 2499 with asparagine.
Molecular consequence: missense variant.
Genome position (GRCh38, 1-based): chr13:35,628,126, G>A. VCF-style: chr13-35628126-G-A. GRCh37 (hg19) VCF-style: chr13-36202263-G-A.
Other names: c.874G>A, p.Asp292Asn (NM_001204197.3); c.7486G>A, p.Asp2496Asn (NM_001379245.1); c.7495G>A, p.Asp2499Asn (NM_015678.5); short protein forms D2496N, D2499N, D292N.
Identifiers: ClinVar variation 1317463 (VCV001317463.3), dbSNP rs2153065595, ClinGen allele CA387987682.